The following is an entry in ClinVar:

NM_014795.4(ZEB2):c.72C>A (p.Asn24Lys)

Gene: ZEB2 (zinc finger E-box binding homeobox 2; minus strand). Cytogenetic location: 2q22.3.
Variant type: single nucleotide variant.
Coding change: c.72C>A on transcript NM_014795.4 (MANE Select); coding-DNA position 72, C replaced by A.
Protein change: p.Asn24Lys; replaces asparagine 24 with lysine.
Molecular consequence: missense variant. On other transcripts: non-coding transcript variant (1).
Genome position (GRCh38, 1-based): chr2:144,517,279, G>T on the plus strand (C>A on the coding strand, the complement: ZEB2 is on the minus strand). VCF-style: chr2-144517279-G-T. GRCh37 (hg19) VCF-style: chr2-145274846-G-T.
Other names: c.72C>A, p.Asn24Lys (NM_001171653.2); short protein forms N24K.
Identifiers: ClinVar variation 2971715 (VCV002971715.3), dbSNP rs1705170246, ClinGen allele CA348858297.

ClinVar aggregate classification (germline): Uncertain significance (1 of 4 stars; one submission).

Conditions:
Mowat-Wilson syndrome (MOWS). Also called: Classic Mowat-Wilson Syndrome. Identifiers: Orphanet 2152, MedGen C1856113, MONDO:0009341, OMIM 235730.

Allele frequency attached by ClinVar (database versions not stated): gnomAD 0.00001.
gnomAD v4.1: 1 of 1,613,342 alleles (0.000062%); highest among the groups gnomAD compares: African/African-American, 0.0013%; no homozygotes.

Submission:

Labcorp Genetics (formerly Invitae), Labcorp
Classification: Uncertain significance for Mowat-Wilson syndrome. Last evaluated: 2023-11-06. Review status: criteria provided, single submitter. Criteria: Invitae Variant Classification Sherloc (09022015). Collection method: clinical testing. Allele origin: germline.
Comment: This sequence change replaces asparagine, which is neutral and polar, with lysine, which is basic and polar, at codon 24 of the ZEB2 protein (p.Asn24Lys). This variant is not present in population databases (gnomAD no frequency). This variant has not been reported in the literature in individuals affected with ZEB2-related conditions. An algorithm developed to predict the effect of missense changes on protein structure and function (PolyPhen-2) suggests that this variant is likely to be tolerated. In summary, the available evidence is currently insufficient to determine the role of this variant in disease. Therefore, it has been classified as a Variant of Uncertain Significance.